The following is an entry in ClinVar:

ClinVar aggregate classification (germline): Benign. Review status: criteria provided, multiple submitters, no conflicts (2 of 4 stars). 2 submissions from 2 submitters: Benign (2). Last evaluated 2017-05-09.

Allele frequency attached by ClinVar (database versions not stated): ESP Exome Variant Server 0.28482; gnomAD 0.29794 and 0.30409; TOPMed 0.31899; 1000 Genomes Project 30x 0.31980; 1000 Genomes Project 0.32368; ExAC 0.35372; gnomAD exomes 0.36866.
gnomAD v4.1: 548,882 of 1,611,860 alleles (34%); highest among the groups gnomAD compares: Admixed American, 57%; 98,334 homozygotes.

Submissions (2):

GeneDx
Classification: Benign. Last evaluated: 2017-05-09. Review status: criteria provided, single submitter. Criteria: GeneDx Variant Classification (06012015). Collection method: clinical testing. Allele origin: germline. Affected: yes.
Comment: This variant is considered likely benign or benign based on one or more of the following criteria: it is a conservative change, it occurs at a poorly conserved position in the protein, it is predicted to be benign by multiple in silico algorithms, and/or has population frequency not consistent with disease.

Breakthrough Genomics
Classification: Benign. Review status: criteria provided, single submitter. Criteria: ACMG Guidelines, 2015. Collection method: not provided. Allele origin: germline. Inheritance: Autosomal recessive inheritance. Affected: yes.

NM_018429.3(BDP1):c.7590C>T (p.Arg2530=)

Gene: BDP1 (BDP1 general transcription factor IIIB subunit; plus strand). Cytogenetic location: 5q13.2.
Variant type: single nucleotide variant.
Coding change: c.7590C>T on transcript NM_018429.3 (MANE Select); coding-DNA position 7590, C replaced by T.
Protein change: p.Arg2530=; no amino-acid change (arginine 2530 retained).
Molecular consequence: synonymous variant.
Genome position (GRCh38, 1-based): chr5:71,562,367, C>T. VCF-style: chr5-71562367-C-T. GRCh37 (hg19) VCF-style: chr5-70858194-C-T.
Identifiers: ClinVar variation 517820 (VCV000517820.2), dbSNP rs277941, ClinGen allele CA3297567.